The following is an entry in ClinVar:

ClinVar aggregate classification (germline): Pathogenic (1 of 4 stars; one submission).

Conditions:
Fanconi anemia (FA). Also called: Fanconi's anemia. Identifiers: Orphanet 84, MedGen C0015625, MeSH D005199, MONDO:0019391.

Submission:

Labcorp Genetics (formerly Invitae), Labcorp
Classification: Pathogenic for Fanconi anemia. Last evaluated: 2024-01-25. Review status: criteria provided, single submitter. Criteria: Invitae Variant Classification Sherloc (09022015). Collection method: clinical testing. Allele origin: unknown.
Comment: This variant is a gross deletion of the genomic region encompassing exon(s) 22-28 of the FANCA gene. This deletion is out-of-frame, and is expected to create a premature termination codon and result in an absent or disrupted protein product. Loss-of-function variants in FANCA are known to be pathogenic (PMID: 19367192). A similar copy number variant has been observed in individual(s) with Fanconi anemia (PMID: 17924555, 29098742). For these reasons, this variant has been classified as Pathogenic.

Literature cited by the submitters: PubMed 19367192; PubMed 17924555; PubMed 29098742.

NC_000016.9:g.(?_89831215)_(89839812_?)del

Gene: FANCA (FA complementation group A; minus strand). Cytogenetic location: 16q24.3.
Variant type: Deletion.
Identifiers: ClinVar variation 3243257 (VCV003243257.1).